The following is an entry in ClinVar:

NM_002522.4(NPTX1):c.569G>A (p.Gly190Asp)

Gene: NPTX1 (neuronal pentraxin 1; minus strand). Cytogenetic location: 17q25.3.
Variant type: single nucleotide variant.
Coding change: c.569G>A on transcript NM_002522.4 (MANE Select); coding-DNA position 569, G replaced by A.
Protein change: p.Gly190Asp; replaces glycine 190 with aspartic acid.
Molecular consequence: missense variant.
Genome position (GRCh38, 1-based): chr17:80,475,594, C>T on the plus strand (G>A on the coding strand, the complement: NPTX1 is on the minus strand). VCF-style: chr17-80475594-C-T. GRCh37 (hg19) VCF-style: chr17-78449394-C-T.
Other names: short protein forms G190D.
Identifiers: ClinVar variation 4529862 (VCV004529862.1).

ClinVar aggregate classification (germline): Uncertain significance (1 of 4 stars; one submission).

Submission:

GeneDx
Classification: Uncertain significance. Last evaluated: 2025-05-15. Review status: criteria provided, single submitter. Criteria: GeneDx Variant Classification Process June 2021. Collection method: clinical testing. Allele origin: germline. Affected: yes.
Comment: Not observed at significant frequency in large population cohorts (gnomAD); In silico analysis suggests that this missense variant does not alter protein structure/function; Has not been previously published as pathogenic or benign to our knowledge